The following is an entry in ClinVar:

ClinVar aggregate classification (germline): Uncertain significance (1 of 4 stars; one submission).

Conditions:
Perlman syndrome (PRLMNS). Identifiers: Orphanet 2849, MedGen C0796113, MONDO:0009965, OMIM 267000.

Allele frequency attached by ClinVar (database versions not stated): ExAC 0.00002; gnomAD exomes 0.00002; gnomAD 0.00003 and 0.00004; TOPMed 0.00004.
gnomAD v4.1: 30 of 1,611,282 alleles (0.0019%); highest among the groups gnomAD compares: Non-Finnish European, 0.0025%; no homozygotes.

Submission:

Labcorp Genetics (formerly Invitae), Labcorp
Classification: Uncertain significance for Perlman syndrome. Last evaluated: 2025-02-03. Review status: criteria provided, single submitter. Criteria: Invitae Variant Classification Sherloc (09022015). Collection method: clinical testing. Allele origin: germline.
Comment: This sequence change replaces glutamic acid, which is acidic and polar, with glutamine, which is neutral and polar, at codon 847 of the DIS3L2 protein (p.Glu847Gln). This variant is present in population databases (rs759280088, gnomAD 0.005%). This variant has not been reported in the literature in individuals affected with DIS3L2-related conditions. ClinVar contains an entry for this variant (Variation ID: 639434). Invitae Evidence Modeling of protein sequence and biophysical properties (such as structural, functional, and spatial information, amino acid conservation, physicochemical variation, residue mobility, and thermodynamic stability) indicates that this missense variant is not expected to disrupt DIS3L2 protein function with a negative predictive value of 80%. In summary, the available evidence is currently insufficient to determine the role of this variant in disease. Therefore, it has been classified as a Variant of Uncertain Significance.

NM_152383.5(DIS3L2):c.2539G>C (p.Glu847Gln)

Gene: DIS3L2 (DIS3 like 3'-5' exoribonuclease 2; plus strand). Cytogenetic location: 2q37.1.
Variant type: single nucleotide variant.
Coding change: c.2539G>C on transcript NM_152383.5 (MANE Select); coding-DNA position 2539, G replaced by C.
Protein change: p.Glu847Gln; replaces glutamic acid 847 with glutamine.
Molecular consequence: missense variant. On other transcripts: non-coding transcript variant (2), intron variant (1).
Genome position (GRCh38, 1-based): chr2:232,336,511, G>C. VCF-style: chr2-232336511-G-C. GRCh37 (hg19) VCF-style: chr2-233201221-G-C.
Other names: c.1582-6834G>C (NM_001257281.2); short protein forms E847Q.
Identifiers: ClinVar variation 639434 (VCV000639434.8), dbSNP rs759280088, ClinGen allele CA2164608.